The following is an entry in ClinVar:

NM_022356.4(P3H1):c.420C>T (p.Phe140=)

Gene: P3H1 (prolyl 3-hydroxylase 1; minus strand). Cytogenetic location: 1p34.2.
Variant type: single nucleotide variant.
Coding change: c.420C>T on transcript NM_022356.4 (MANE Select); coding-DNA position 420, C replaced by T.
Protein change: p.Phe140=; no amino-acid change (phenylalanine 140 retained).
Molecular consequence: synonymous variant.
Genome position (GRCh38, 1-based): chr1:42,766,552, G>A on the plus strand (C>T on the coding strand, the complement: P3H1 is on the minus strand). VCF-style: chr1-42766552-G-A. GRCh37 (hg19) VCF-style: chr1-43232223-G-A.
Other names: c.420C>T, p.Phe140= (NM_001146289.2, NM_001243246.2).
Identifiers: ClinVar variation 513155 (VCV000513155.4), dbSNP rs1027100537, ClinGen allele CA21251404.

ClinVar aggregate classification (germline): Likely benign. Review status: criteria provided, multiple submitters, no conflicts (2 of 4 stars). 2 submissions from 2 submitters: Likely benign (2). Last evaluated 2025-05-18.

Conditions:
Osteogenesis imperfecta type 8 (OI8). Identifiers: MedGen C1970458, MONDO:0012581, OMIM 610915.

Allele frequency attached by ClinVar (database versions not stated): gnomAD 0.00001; TOPMed 0.00003.
gnomAD v4.1: 1 of 1,612,180 alleles (0.000062%); highest among the groups gnomAD compares: African/African-American, 0.0013%; no homozygotes.

Submissions (2):

Labcorp Genetics (formerly Invitae), Labcorp
Classification: Likely benign for Osteogenesis imperfecta type 8. Last evaluated: 2025-05-18. Review status: criteria provided, single submitter. Criteria: Invitae Variant Classification Sherloc (09022015). Collection method: clinical testing. Allele origin: germline.

GeneDx
Classification: Likely benign. Last evaluated: 2017-11-08. Review status: criteria provided, single submitter. Criteria: GeneDx Variant Classification (06012015). Collection method: clinical testing. Allele origin: germline. Affected: yes.
Comment: This variant is considered likely benign or benign based on one or more of the following criteria: it is a conservative change, it occurs at a poorly conserved position in the protein, it is predicted to be benign by multiple in silico algorithms, and/or has population frequency not consistent with disease.